The following is an entry in ClinVar:

NM_024675.4(PALB2):c.1570_1571delinsAG (p.Ser524Arg)

Gene: PALB2 (partner and localizer of BRCA2; minus strand). Cytogenetic location: 16p12.2.
Variant type: Indel.
Coding change: c.1570_1571delinsAG on transcript NM_024675.4 (MANE Select); coding-DNA positions 1570 to 1571, TC replaced by AG.
Protein change: p.Ser524Arg; replaces serine 524 with arginine.
Molecular consequence: missense variant.
Genome position (GRCh38, 1-based): chr16:23,634,975-23,634,976, GA replaced by CT on the plus strand (TC replaced by AG on the coding strand, the reverse complement: PALB2 is on the minus strand). VCF-style: chr16-23634975-GA-CT. GRCh37 (hg19) VCF-style: chr16-23646296-GA-CT.
Other names: c.1570_1571delTCinsAG (NM_024675.3); short protein forms S524R.
Identifiers: ClinVar variation 844037 (VCV000844037.16), dbSNP rs1966956569, ClinGen allele CA913188784.

ClinVar aggregate classification (germline): Uncertain significance. Review status: criteria provided, multiple submitters, no conflicts (2 of 4 stars). 4 submissions from 4 submitters: Uncertain significance (4). Last evaluated 2024-06-24.

Conditions:
Hereditary cancer-predisposing syndrome. Also called: Hereditary Cancer Syndrome; Hereditary neoplastic syndrome; Tumor predisposition; Neoplastic Syndromes, Hereditary. Identifiers: Orphanet 140162, MedGen C0027672, MeSH D009386, MONDO:0015356.
Familial cancer of breast. Also called: hereditary breast carcinoma; BREAST CANCER, FAMILIAL; Hereditary breast cancer. Identifiers: Orphanet 227535, MedGen C0346153, MONDO:0016419, OMIM 114480. Disease mechanism: loss of function.

Submissions (4):

Labcorp Genetics (formerly Invitae), Labcorp
Classification: Uncertain significance for Familial cancer of breast. Last evaluated: 2024-06-24. Review status: criteria provided, single submitter. Criteria: Invitae Variant Classification Sherloc (09022015). Collection method: clinical testing. Allele origin: germline.
Comment: This sequence change replaces serine, which is neutral and polar, with arginine, which is basic and polar, at codon 524 of the PALB2 protein (p.Ser524Arg). Information on the frequency of this variant in the gnomAD database is not available, as this variant may be reported differently in the database. This variant has not been reported in the literature in individuals affected with PALB2-related conditions. ClinVar contains an entry for this variant (Variation ID: 844037). An algorithm developed to predict the effect of missense changes on protein structure and function (PolyPhen-2) suggests that this variant is likely to be tolerated. In summary, the available evidence is currently insufficient to determine the role of this variant in disease. Therefore, it has been classified as a Variant of Uncertain Significance.

Color Diagnostics, LLC DBA Color Health
Classification: Uncertain significance for Hereditary cancer-predisposing syndrome. Last evaluated: 2023-12-05. Review status: criteria provided, single submitter. Criteria: ACMG Guidelines, 2015. Collection method: clinical testing. Allele origin: germline.
Comment: This missense variant replaces serine with arginine at codon 524 of the PALB2 protein. To our knowledge, functional studies have not been reported for this variant. This variant has not been reported in individuals affected with PALB2-related disorders in the literature. This variant has not been identified in the general population by the Genome Aggregation Database (gnomAD). The available evidence is insufficient to determine the role of this variant in disease conclusively. Therefore, this variant is classified as a Variant of Uncertain Significance.

Baylor Genetics
Classification: Uncertain significance for Familial cancer of breast. Last evaluated: 2023-11-18. Review status: criteria provided, single submitter. Criteria: ACMG Guidelines, 2015. Collection method: clinical testing. Allele origin: unknown.

Ambry Genetics
Classification: Uncertain significance for Hereditary cancer-predisposing syndrome. Last evaluated: 2023-10-10. Review status: criteria provided, single submitter. Criteria: Ambry Variant Classification Scheme 2023. Collection method: clinical testing. Allele origin: germline.
Comment: The c.1570_1571delTCinsAG variant (also known as p.S524R), located in coding exon 4 of the PALB2 gene, results from an in-frame deletion of TC and insertion of AG at nucleotide positions 1570 to 1571. This results in the substitution of the serine residue for an arginine residue at codon 524, an amino acid with dissimilar properties. This amino acid position is poorly conserved in available vertebrate species. In addition, this alteration is predicted to be neutral by in silico analysis (Choi Y et al. PLoS ONE. 2012; 7(10):e46688). Since supporting evidence is limited at this time, the clinical significance of this alteration remains unclear.